The following is an entry in ClinVar:

NM_024857.5(ATAD5):c.4119G>A (p.Glu1373=)

Gene: ATAD5 (ATPase family AAA domain containing 5; plus strand). Cytogenetic location: 17q11.2.
Variant type: single nucleotide variant.
Coding change: c.4119G>A on transcript NM_024857.5 (MANE Select); coding-DNA position 4119, G replaced by A.
Protein change: p.Glu1373=; no amino-acid change (glutamic acid 1373 retained).
Molecular consequence: synonymous variant.
Genome position (GRCh38, 1-based): chr17:30,887,233, G>A. VCF-style: chr17-30887233-G-A. GRCh37 (hg19) VCF-style: chr17-29214251-G-A.
Identifiers: ClinVar variation 787448 (VCV000787448.5), dbSNP rs147173516, ClinGen allele CA8484228.

ClinVar aggregate classification (germline): Benign. Review status: criteria provided, single submitter (1 of 4 stars). 2 submissions from 2 submitters: Benign (1). 1 of the submissions does not count toward it. Last evaluated 2018-04-26.

Conditions:
ATAD5-related disorder. Also called: ATAD5-related condition.

Allele frequency attached by ClinVar (database versions not stated): gnomAD exomes 0.00070 and 0.00155; ExAC 0.00182; 1000 Genomes Project 0.00579; 1000 Genomes Project 30x 0.00593; ESP Exome Variant Server 0.00630; gnomAD 0.00656 and 0.00711; TOPMed 0.00708.
gnomAD v4.1: 2,036 of 1,595,716 alleles (0.13%); highest among the groups gnomAD compares: African/African-American, 2.4%; 22 homozygotes.

Submissions (2):

Labcorp Genetics (formerly Invitae), Labcorp
Classification: Benign. Last evaluated: 2018-04-26. Review status: criteria provided, single submitter. Criteria: Invitae Variant Classification Sherloc (09022015). Collection method: clinical testing. Allele origin: germline.

PreventionGenetics, part of Exact Sciences
Classification: Benign for ATAD5-related condition. Last evaluated: 2019-03-15. Review status: no assertion criteria provided. Collection method: clinical testing. Allele origin: germline. Not counted in ClinVar's aggregate classification.
Comment: This variant is classified as benign based on ACMG/AMP sequence variant interpretation guidelines (Richards et al. 2015 PMID: 25741868, with internal and published modifications).